The following is an entry in ClinVar:

ClinVar aggregate classification (germline): Likely benign. Review status: criteria provided, multiple submitters, no conflicts (2 of 4 stars). 2 submissions from 2 submitters: Likely benign (2). Last evaluated 2025-11-25.

Conditions:
PDZD7-related disorder. Also called: PDZD7-related condition; PDZD7-related disorders.

Allele frequency attached by ClinVar (database versions not stated): TOPMed 0.00014; 1000 Genomes Project 30x 0.00016.

Submissions (2):

Labcorp Genetics (formerly Invitae), Labcorp
Classification: Likely benign. Last evaluated: 2025-11-25. Review status: criteria provided, single submitter. Criteria: Invitae Variant Classification Sherloc (09022015). Collection method: clinical testing. Allele origin: germline.

PreventionGenetics, part of Exact Sciences
Classification: Likely benign for PDZD7-related condition. Last evaluated: 2025-07-08. Review status: criteria provided, single submitter. Criteria: ACMG Guidelines, 2015. Collection method: clinical testing. Allele origin: germline.
Comment: This variant is classified as likely benign based on ACMG/AMP sequence variant interpretation guidelines (Richards et al. 2015 PMID: 25741868, with internal and published modifications).

NM_001195263.2(PDZD7):c.1758C>A (p.His586Gln)

Gene: PDZD7 (PDZ domain containing 7; minus strand). Cytogenetic location: 10q24.31.
Variant type: single nucleotide variant.
Coding change: c.1758C>A on transcript NM_001195263.2 (MANE Select); coding-DNA position 1758, C replaced by A.
Protein change: p.His586Gln; replaces histidine 586 with glutamine.
Molecular consequence: missense variant.
Genome position (GRCh38, 1-based): chr10:101,012,250, G>T on the plus strand (C>A on the coding strand, the complement: PDZD7 is on the minus strand). VCF-style: chr10-101012250-G-T. GRCh37 (hg19) VCF-style: chr10-102772007-G-T.
Other names: short protein forms H586Q.
Identifiers: ClinVar variation 850968 (VCV000850968.11), dbSNP rs796585261, ClinGen allele CA212979918.